The following is an entry in ClinVar:

ClinVar aggregate classification (germline): Uncertain significance (1 of 4 stars; one submission).

Submission:

Women's Health and Genetics/Laboratory Corporation of America, LabCorp
Classification: Uncertain significance. Last evaluated: 2025-09-04. Review status: criteria provided, single submitter. Criteria: LabCorp Variant Classification Summary - May 2015. Collection method: clinical testing. Allele origin: germline.
Comment: Variant summary: HEPHL1 c.2565G>A (p.Met855Ile) results in a conservative amino acid change in the encoded protein sequence. Algorithms developed to predict the effect of missense changes on protein structure and function are either unavailable or do not agree on the potential impact of this missense change. The variant was absent in 248014 control chromosomes. The available data on variant occurrences in the general population are insufficient to allow any conclusion about variant significance. To our knowledge, no occurrence of c.2565G>A in individuals affected with HEPHL1-related conditions and no experimental evidence demonstrating its impact on protein function have been reported. No submitters have cited clinical-significance assessments for this variant to ClinVar. Based on the evidence outlined above, the variant was classified as uncertain significance.

NM_001098672.2(HEPHL1):c.2565G>A (p.Met855Ile)

Gene: HEPHL1 (hephaestin like 1; plus strand). Cytogenetic location: 11q21.
Variant type: single nucleotide variant.
Coding change: c.2565G>A on transcript NM_001098672.2 (MANE Select); coding-DNA position 2565, G replaced by A.
Protein change: p.Met855Ile; replaces methionine 855 with isoleucine.
Molecular consequence: missense variant.
Genome position (GRCh38, 1-based): chr11:94,101,325, G>A. VCF-style: chr11-94101325-G-A. GRCh37 (hg19) VCF-style: chr11-93834491-G-A.
Other names: short protein forms M855I.
Identifiers: ClinVar variation 4535765 (VCV004535765.1).